The following is an entry in ClinVar:

ClinVar aggregate classification (germline): Pathogenic. Review status: criteria provided, multiple submitters, no conflicts (2 of 4 stars). 2 submissions from 2 submitters: Pathogenic (2). Last evaluated 2024-10-25.

Conditions:
Hypertrophic cardiomyopathy. Also called: HYPERTROPHIC MYOCARDIOPATHY. Identifiers: Orphanet 217569, MedGen C0007194, MeSH D002312, MONDO:0005045, HP:0001639.
Cardiovascular phenotype. Identifiers: MedGen CN230736.

Submissions (2):

Ambry Genetics
Classification: Pathogenic for Cardiovascular phenotype. Last evaluated: 2024-10-25. Review status: criteria provided, single submitter. Criteria: Ambry Variant Classification Scheme 2023. Collection method: clinical testing. Allele origin: germline.
Comment: The c.3699_3700delinsCT pathogenic mutation, located in coding exon 33 of the MYBPC3 gene, results from an in-frame deletion of GG and insertion of CT at nucleotide positions 3699 to 3700. The amino acids at codons 1233 and 1234 are replaced by a histidine and a stop codon (p.Q1233_G1234delinsH*). This variant is considered to be rare based on population cohorts in the Genome Aggregation Database (gnomAD). This alteration is expected to result in loss of function by premature protein truncation or nonsense-mediated mRNA decay. As such, this alteration is interpreted as a disease-causing mutation.

Labcorp Genetics (formerly Invitae), Labcorp
Classification: Pathogenic for Hypertrophic cardiomyopathy. Last evaluated: 2023-10-08. Review status: criteria provided, single submitter. Criteria: Invitae Variant Classification Sherloc (09022015). Collection method: clinical testing. Allele origin: germline.
Comment: This sequence change creates a premature translational stop signal (p.Gln1233_Gly1234delinsHis*) in the MYBPC3 gene. It is expected to result in an absent or disrupted protein product. Loss-of-function variants in MYBPC3 are known to be pathogenic (PMID: 19574547). Information on the frequency of this variant in the gnomAD database is not available, as this variant may be reported differently in the database. This variant has not been reported in the literature in individuals affected with MYBPC3-related conditions. For these reasons, this variant has been classified as Pathogenic.

Literature cited by the submitters: PubMed 19574547 (cited by Labcorp Genetics (formerly Invitae), Labcorp).

NM_000256.3(MYBPC3):c.3699_3700delinsCT (p.Gln1233_Gly1234delinsHisTer)

Gene: MYBPC3 (myosin binding protein C3; minus strand). Cytogenetic location: 11p11.2.
Variant type: Indel.
Coding change: c.3699_3700delinsCT on transcript NM_000256.3 (MANE Select); coding-DNA positions 3699 to 3700, GG replaced by CT.
Protein change: p.Gln1233_Gly1234delinsHisTer.
Molecular consequence: nonsense.
Genome position (GRCh38, 1-based): chr11:47,332,186-47,332,187, CC replaced by AG on the plus strand (GG replaced by CT on the coding strand, the reverse complement: MYBPC3 is on the minus strand). VCF-style: chr11-47332186-CC-AG. GRCh37 (hg19) VCF-style: chr11-47353737-CC-AG.
Identifiers: ClinVar variation 2818733 (VCV002818733.4), dbSNP rs2495736417, ClinGen allele CA2739270412.